The following is an entry in ClinVar:

ClinVar aggregate classification (germline): Benign/Likely benign. Review status: criteria provided, multiple submitters, no conflicts (2 of 4 stars). 12 submissions from 12 submitters: Benign (9); Likely benign (1). 2 of the submissions do not count toward it. Last evaluated 2026-02-04.

Conditions:
Combined immunodeficiency due to DOCK8 deficiency (HIES2). Also called: Hyper-IgE recurrent infection syndrome, autosomal recessive; HYPER-IgE RECURRENT INFECTION SYNDROME 2, AUTOSOMAL RECESSIVE; DOCK8 Deficiency; HIES autosomal recessive; HYPER-IgE SYNDROME 2, AUTOSOMAL RECESSIVE, WITH RECURRENT INFECTIONS. Identifiers: Orphanet 217390, MedGen C4722305, MONDO:0009478, OMIM 243700.

Allele frequency attached by ClinVar (database versions not stated): gnomAD exomes 0.22539 and 0.24452; 1000 Genomes Project 0.22863; 1000 Genomes Project 30x 0.23251; ExAC 0.23316; gnomAD 0.24595 and 0.24804; TOPMed 0.24996; ESP Exome Variant Server 0.26657.
gnomAD v4.1: 394,307 of 1,610,908 alleles (24%); highest among the groups gnomAD compares: Middle Eastern, 29%; 49,661 homozygotes.

Submissions (12):

Labcorp Genetics (formerly Invitae), Labcorp
Classification: Benign for Combined immunodeficiency due to DOCK8 deficiency. Last evaluated: 2026-02-04. Review status: criteria provided, single submitter. Criteria: Invitae Variant Classification Sherloc (09022015). Collection method: clinical testing. Allele origin: germline.

Women's Health and Genetics/Laboratory Corporation of America, LabCorp
Classification: Benign. Last evaluated: 2026-01-21. Review status: criteria provided, single submitter. Criteria: LabCorp Variant Classification Summary - May 2015. Collection method: clinical testing. Allele origin: germline.

Blueprint Genetics
Classification: Likely benign. Last evaluated: 2024-11-27. Review status: criteria provided, single submitter. Criteria: ACMG Guidelines, 2015. Collection method: clinical testing. Allele origin: germline.

Unidad de Genómica Garrahan, Hospital de Pediatría Garrahan
Classification: Benign. Last evaluated: 2023-11-12. Review status: criteria provided, single submitter. Criteria: ACMG Guidelines, 2015. Collection method: clinical testing. Allele origin: germline. Affected: no. Observed: 40 variant alleles.
Comment: This variant is classified as Benign based on local population frequency. This variant was detected in 42% of patients studied by a panel of primary immunodeficiencies. Number of patients: 40. Only high quality variants are reported.

Mayo Clinic Laboratories, Mayo Clinic
Classification: Benign. Last evaluated: 2019-03-18. Review status: criteria provided, single submitter. Criteria: ACMG Guidelines, 2015. Collection method: clinical testing. Allele origin: germline. Observed: 375 variant alleles.

Illumina Laboratory Services, Illumina
Classification: Benign for Combined immunodeficiency due to DOCK8 deficiency. Last evaluated: 2018-01-13. Review status: criteria provided, single submitter. Criteria: ICSL Variant Classification Criteria 13 December 2019. Collection method: clinical testing. Allele origin: germline.
Comment: This variant was observed in the ICSL laboratory as part of a predisposition screen in an ostensibly healthy population. It had not been previously curated by ICSL or reported in the Human Gene Mutation Database (HGMD: prior to June 1st, 2018), and was therefore a candidate for classification through an automated scoring system. Utilizing variant allele frequency, disease prevalence and penetrance estimates, and inheritance mode, an automated score was calculated to assess if this variant is too frequent to cause the disease. Based on the score and internal cut-off values, a variant classified as benign is not then subjected to further curation. The score for this variant resulted in a classification of benign for this disease.

GeneDx
Classification: Benign. Last evaluated: 2013-09-27. Review status: criteria provided, single submitter. Criteria: GeneDx Variant Classification (06012015). Collection method: clinical testing. Allele origin: germline. Affected: yes.
Comment: This variant is considered likely benign or benign based on one or more of the following criteria: it is a conservative change, it occurs at a poorly conserved position in the protein, it is predicted to be benign by multiple in silico algorithms, and/or has population frequency not consistent with disease.

Laboratory for Molecular Medicine, Mass General Brigham Personalized Medicine
Classification: Benign. Last evaluated: 2013-02-21. Review status: criteria provided, single submitter. Criteria: LMM Criteria. Collection method: clinical testing. Allele origin: germline. Observed: 32 variant alleles.
Comment: Leu780Leu in exon 20 of DOCK8: This variant is not expected to have clinical sig nificance because it does not alter an amino acid residue and is not located wit hin the splice consensus sequence. It has been identified in 28.8% (1271/4406) o f African American chromosomes from a broad population by the NHLBI Exome Sequen cing Project (dbSNP rs10814431).

Breakthrough Genomics
Classification: Benign. Review status: criteria provided, single submitter. Criteria: ACMG Guidelines, 2015. Collection method: not provided. Allele origin: germline. Inheritance: Autosomal recessive inheritance. Affected: yes.

PreventionGenetics, part of Exact Sciences
Classification: Benign. Review status: criteria provided, single submitter. Criteria: ACMG Guidelines, 2015. Collection method: clinical testing. Allele origin: germline.

Diagnostic Laboratory, Department of Genetics, University Medical Center Groningen
Classification: Benign. Review status: no assertion criteria provided. Collection method: clinical testing. Allele origin: germline. Affected: yes. Study: VKGL Data-share Consensus. Not counted in ClinVar's aggregate classification.

Genome Diagnostics Laboratory, University Medical Center Utrecht
Classification: Benign. Review status: no assertion criteria provided. Collection method: clinical testing. Allele origin: germline. Affected: yes. Study: VKGL Data-share Consensus. Not counted in ClinVar's aggregate classification.

NM_203447.4(DOCK8):c.2340G>C (p.Leu780=)

Gene: DOCK8 (dedicator of cytokinesis 8; plus strand). Cytogenetic location: 9p24.3.
Variant type: single nucleotide variant.
Coding change: c.2340G>C on transcript NM_203447.4 (MANE Select); coding-DNA position 2340, G replaced by C.
Protein change: p.Leu780=; no amino-acid change (leucine 780 retained).
Molecular consequence: synonymous variant.
Genome position (GRCh38, 1-based): chr9:377,111, G>C. VCF-style: chr9-377111-G-C. GRCh37 (hg19) VCF-style: chr9-377111-G-C.
Other names: p.L712L:CTG>CTC; p.Leu780=; c.2136G>C, p.Leu712= (NM_001190458.2, NM_001193536.2).
Identifiers: ClinVar variation 137139 (VCV000137139.28), dbSNP rs10814431, ClinGen allele CA175854.